The following continues an entry in ClinVar:

NM_001370259.2(MEN1):c.512G>A (p.Arg171Gln)

Gene: MEN1. ClinVar aggregate classification (germline): Conflicting classifications of pathogenicity. Uncertain significance (1); Benign (17); Likely benign (5).

Submissions 26 to 31 of 31:

Biesecker Lab/Clinical Genomics Section, National Institutes of Health
Classification: Benign. Last evaluated: 2012-07-13. Review status: no assertion criteria provided. Collection method: research. Allele origin: germline. Affected: no. Observed: 16 variant alleles. Study: ClinSeq. Not counted in ClinVar's aggregate classification.
ClinVar note: Converted during submission from no known pathogenicity to Benign.

Diagnostic Laboratory, Department of Genetics, University Medical Center Groningen
Classification: Benign. Review status: no assertion criteria provided. Collection method: clinical testing. Allele origin: germline. Affected: yes. Study: VKGL Data-share Consensus. Not counted in ClinVar's aggregate classification.

Genome Diagnostics Laboratory, Amsterdam University Medical Center
Classification: Benign. Review status: no assertion criteria provided. Collection method: clinical testing. Allele origin: germline. Affected: yes. Study: VKGL Data-share Consensus. Not counted in ClinVar's aggregate classification.

Genome Diagnostics Laboratory, University Medical Center Utrecht
Classification: Likely benign. Review status: no assertion criteria provided. Collection method: clinical testing. Allele origin: germline. Affected: yes. Study: VKGL Data-share Consensus. Not counted in ClinVar's aggregate classification.

Joint Genome Diagnostic Labs from Nijmegen and Maastricht, Radboudumc and MUMC+
Classification: Likely benign. Review status: no assertion criteria provided. Collection method: clinical testing. Allele origin: germline. Affected: yes. Study: VKGL Data-share Consensus. Not counted in ClinVar's aggregate classification.

Laboratory of Diagnostic Genome Analysis, Leiden University Medical Center (LUMC)
Classification: Benign. Review status: no assertion criteria provided. Collection method: clinical testing. Allele origin: germline. Affected: yes. Study: VKGL Data-share Consensus. Not counted in ClinVar's aggregate classification.

Literature cited by the submitters: PubMed 30324798 (cited by Athena Diagnostics); PubMed 27153395 (cited by Athena Diagnostics); PubMed 30869828 (cited by Athena Diagnostics); PubMed 31737856 (cited by Athena Diagnostics); PubMed 30339208 (cited by Athena Diagnostics); PubMed 10027401 (cited by Athena Diagnostics); PubMed 10366412 (cited by Athena Diagnostics); PubMed 10398160 (cited by Athena Diagnostics); PubMed 10617276 (cited by Athena Diagnostics); PubMed 10634374 (cited by Athena Diagnostics); PubMed 10634422 (cited by Athena Diagnostics); PubMed 10715991 (cited by Athena Diagnostics); PubMed 10759881 (cited by Athena Diagnostics); PubMed 10856877 (cited by Athena Diagnostics); PubMed 10870030 (cited by Athena Diagnostics); PubMed 11369988 (cited by Athena Diagnostics); PubMed 11524904 (cited by Athena Diagnostics); PubMed 11807402 (cited by Athena Diagnostics); PubMed 12150335 (cited by Athena Diagnostics); PubMed 12166655 (cited by Athena Diagnostics); PubMed 12746426 (cited by Athena Diagnostics); PubMed 15205994 (cited by Athena Diagnostics); PubMed 15254225 (cited by Athena Diagnostics); PubMed 15754732 (cited by Athena Diagnostics); PubMed 15887103 (cited by Athena Diagnostics); PubMed 16595707 (cited by Athena Diagnostics); PubMed 16699310 (cited by Athena Diagnostics); PubMed 17235589 (cited by Athena Diagnostics); PubMed 17590169 (cited by Athena Diagnostics); PubMed 17623761 (cited by Athena Diagnostics); PubMed 17953629 (cited by Athena Diagnostics); PubMed 18221402 (cited by Athena Diagnostics); PubMed 21521296 (cited by Athena Diagnostics); PubMed 9103196 (cited by Athena Diagnostics); PubMed 9215689 (cited by Athena Diagnostics); PubMed 9215690 (cited by Athena Diagnostics); PubMed 9354421 (cited by Athena Diagnostics); PubMed 9407947 (cited by Athena Diagnostics); PubMed 9709921 (cited by Athena Diagnostics); PubMed 9820618 (cited by Athena Diagnostics); PubMed 9888389 (cited by Athena Diagnostics); PubMed 9935177 (cited by Athena Diagnostics); PubMed 21819486 (cited by Athena Diagnostics and Counsyl); PubMed 24997771 (cited by Counsyl); PubMed 24728327 (cited by ITMI).